The following is an entry in ClinVar:

ClinVar aggregate classification (germline): Conflicting classifications of pathogenicity. Review status: criteria provided, conflicting classifications (1 of 4 stars). 5 submissions from 5 submitters: Uncertain significance (4); Likely benign (1). Last evaluated 2024-01-15.

Conditions:
NGLY1-related disorder. Also called: NGLY1-related condition.
Inborn genetic diseases. Identifiers: MedGen C0950123, MeSH D030342.
Congenital disorder of deglycosylation (CDDG). Identifiers: MedGen C3808991, MONDO:0031376.

Allele frequency attached by ClinVar (database versions not stated): ExAC 0.00003; TOPMed 0.00004; gnomAD 0.00006; ESP Exome Variant Server 0.00008.
gnomAD v4.1: 21 of 1,612,530 alleles (0.0013%); highest among the groups gnomAD compares: Admixed American, 0.017%; no homozygotes.

Submissions (5):

Labcorp Genetics (formerly Invitae), Labcorp
Classification: Uncertain significance for Congenital disorder of deglycosylation. Last evaluated: 2024-01-15. Review status: criteria provided, single submitter. Criteria: Invitae Variant Classification Sherloc (09022015). Collection method: clinical testing. Allele origin: germline.
Comment: This sequence change replaces leucine, which is neutral and non-polar, with glutamine, which is neutral and polar, at codon 423 of the NGLY1 protein (p.Leu423Gln). This variant is present in population databases (rs369598638, gnomAD 0.01%). This variant has not been reported in the literature in individuals affected with NGLY1-related conditions. ClinVar contains an entry for this variant (Variation ID: 571357). Advanced modeling of protein sequence and biophysical properties (such as structural, functional, and spatial information, amino acid conservation, physicochemical variation, residue mobility, and thermodynamic stability) performed at Invitae indicates that this missense variant is not expected to disrupt NGLY1 protein function with a negative predictive value of 80%. In summary, the available evidence is currently insufficient to determine the role of this variant in disease. Therefore, it has been classified as a Variant of Uncertain Significance.

PreventionGenetics, part of Exact Sciences
Classification: Uncertain significance for NGLY1-related condition. Last evaluated: 2022-12-07. Review status: criteria provided, single submitter. Criteria: ACMG Guidelines, 2015. Collection method: clinical testing. Allele origin: germline.
Comment: The NGLY1 c.1268T>A variant is predicted to result in the amino acid substitution p.Leu423Gln. To our knowledge, this variant has not been reported in the literature. This variant is reported in 0.014% of alleles in individuals of Latino descent in gnomAD. At this time, the clinical significance of this variant is uncertain due to the absence of conclusive functional and genetic evidence.

CeGaT Center for Human Genetics Tuebingen
Classification: Likely benign. Last evaluated: 2022-10-01. Review status: criteria provided, single submitter. Criteria: CeGaT Center For Human Genetics Tuebingen Variant Classification Criteria Version 2. Collection method: clinical testing. Allele origin: germline. Affected: yes. Observed: 1 variant allele.
Comment: NGLY1: BP4

Ambry Genetics
Classification: Uncertain significance for Inborn genetic diseases. Last evaluated: 2021-07-09. Review status: criteria provided, single submitter. Criteria: Ambry Variant Classification Scheme 2023. Collection method: clinical testing. Allele origin: germline.

Breakthrough Genomics
Classification: Uncertain significance. Review status: criteria provided, single submitter. Criteria: ACMG Guidelines, 2015. Collection method: not provided. Allele origin: germline. Inheritance: Autosomal recessive inheritance. Affected: yes.

NM_018297.4(NGLY1):c.1268T>A (p.Leu423Gln)

Gene: NGLY1 (N-glycanase 1; minus strand). Cytogenetic location: 3p24.2.
Variant type: single nucleotide variant.
Coding change: c.1268T>A on transcript NM_018297.4 (MANE Select); coding-DNA position 1268, T replaced by A.
Protein change: p.Leu423Gln; replaces leucine 423 with glutamine.
Molecular consequence: missense variant.
Genome position (GRCh38, 1-based): chr3:25,732,476, A>T on the plus strand (T>A on the coding strand, the complement: NGLY1 is on the minus strand). VCF-style: chr3-25732476-A-T. GRCh37 (hg19) VCF-style: chr3-25773967-A-T.
Other names: c.1214T>A, p.Leu405Gln (NM_001145293.2); c.1142T>A, p.Leu381Gln (NM_001145294.2); c.1268T>A, p.Leu423Gln (NM_001145295.2); short protein forms L381Q, L423Q, L405Q.
Identifiers: ClinVar variation 571357 (VCV000571357.31), dbSNP rs369598638, ClinGen allele CA2289198.